The following is an entry in ClinVar:

NM_001987.5(ETV6):c.1315T>G (p.Ser439Ala)

Gene: ETV6 (ETS variant transcription factor 6; plus strand). Cytogenetic location: 12p13.2.
Variant type: single nucleotide variant.
Coding change: c.1315T>G on transcript NM_001987.5 (MANE Select); coding-DNA position 1315, T replaced by G.
Protein change: p.Ser439Ala; replaces serine 439 with alanine.
Molecular consequence: missense variant. On other transcripts: 3 prime UTR variant (1).
Genome position (GRCh38, 1-based): chr12:11,891,002, T>G. VCF-style: chr12-11891002-T-G. GRCh37 (hg19) VCF-style: chr12-12043936-T-G.
Other names: c.1312T>G, p.Ser438Ala (NM_001413913.1); c.1288T>G, p.Ser430Ala (NM_001413914.1); c.1051T>G, p.Ser351Ala (NM_001413915.1); c.*54T>G (NM_001413917.1); short protein forms S438A, S351A, S430A, S439A.
Identifiers: ClinVar variation 3846518 (VCV003846518.1).
Genomic context (GRCh38, chr12:11,891,002, plus strand): 5'-TTTATGAAAACCCCAGATGAAATCATGAGTGGCCGAACAGACCGTCTGGAGCACCTAGAG[T>G]CCCAGGAGCTGGATGAACAAATATACCAAGAAGATGAATGCTGAAGGAACCAACAGTCCA-3'
Protein context (NP_001978.1, residues 429-449): GRTDRLEHLE[Ser439Ala]QELDEQIYQE

ClinVar aggregate classification (germline): Uncertain significance (1 of 4 stars; one submission).

Conditions:
Inborn genetic diseases. Identifiers: MedGen C0950123, MeSH D030342.

Submission:

Ambry Genetics
Classification: Uncertain significance for Inborn genetic diseases. Last evaluated: 2025-01-25. Review status: criteria provided, single submitter. Criteria: Ambry Variant Classification Scheme 2023. Collection method: clinical testing. Allele origin: germline.
Comment: The p.S439A variant (also known as c.1315T>G), located in coding exon 8 of the ETV6 gene, results from a T to G substitution at nucleotide position 1315. The serine at codon 439 is replaced by alanine, an amino acid with similar properties. This amino acid position is conserved. In addition, this alteration is predicted to be tolerated by in silico analysis. Based on the available evidence, the clinical significance of this variant remains unclear.